The following is an entry in ClinVar:

NM_012309.5(SHANK2):c.554G>A (p.Arg185Gln)

Gene: SHANK2 (SH3 and multiple ankyrin repeat domains 2; minus strand). Cytogenetic location: 11q13.4.
Variant type: single nucleotide variant.
Coding change: c.554G>A on transcript NM_012309.5 (MANE Select); coding-DNA position 554, G replaced by A.
Protein change: p.Arg185Gln; replaces arginine 185 with glutamine.
Molecular consequence: missense variant.
Genome position (GRCh38, 1-based): chr11:71,109,979, C>T on the plus strand (G>A on the coding strand, the complement: SHANK2 is on the minus strand). VCF-style: chr11-71109979-C-T. GRCh37 (hg19) VCF-style: chr11-70821025-C-T.
Other names: c.554G>A, p.Arg185Gln (NM_001441036.1, NM_001441037.1, NM_001441039.1 and 12 more transcripts); c.482G>A, p.Arg161Gln (NM_001441038.1); short protein forms R161Q, R185Q.
Identifiers: ClinVar variation 5039288 (VCV005039288.1).

ClinVar aggregate classification (germline): Likely benign (1 of 4 stars; one submission).

gnomAD v4.1: 111 of 1,551,532 alleles (0.0072%); highest among the groups gnomAD compares: Admixed American, 0.0098%; no homozygotes.

Submission:

CeGaT Center for Human Genetics Tuebingen
Classification: Likely benign. Last evaluated: 2026-07-01. Review status: criteria provided, single submitter. Criteria: CeGaT Center For Human Genetics Tuebingen Variant Classification Criteria Version 2. Collection method: clinical testing. Allele origin: germline. Affected: yes. Observed: 1 variant allele.
Comment: SHANK2: BP4